The following is an entry in ClinVar:

NM_194248.3(OTOF):c.5864G>A (p.Arg1955His)

Gene: OTOF (otoferlin; minus strand). Cytogenetic location: 2p23.3.
Variant type: single nucleotide variant.
Coding change: c.5864G>A on transcript NM_194248.3 (MANE Select); coding-DNA position 5864, G replaced by A.
Protein change: p.Arg1955His; replaces arginine 1955 with histidine.
Molecular consequence: missense variant. On other transcripts: intron variant (2).
Genome position (GRCh38, 1-based): chr2:26,460,155, C>T on the plus strand (G>A on the coding strand, the complement: OTOF is on the minus strand). VCF-style: chr2-26460155-C-T. GRCh37 (hg19) VCF-style: chr2-26683023-C-T.
Other names: c.5864G>A (NM_194248.2); c.3563G>A, p.Arg1188His (NM_004802.4); c.3794G>A, p.Arg1265His (NM_194322.3); c.5813+492G>A (NM_001287489.2); c.3512+492G>A (NM_194323.3); short protein forms R1188H, R1265H, R1955H.
Identifiers: ClinVar variation 2434523 (VCV002434523.8), dbSNP rs746943889, ClinGen allele CA1562667.

ClinVar aggregate classification (germline): Conflicting classifications of pathogenicity. Review status: criteria provided, conflicting classifications (1 of 4 stars). 4 submissions from 4 submitters: Uncertain significance (3); Likely benign (1). Last evaluated 2026-08-10.

Conditions:
OTOF-related disorder. Also called: OTOF-related condition.
Autosomal recessive nonsyndromic hearing loss 9. Also called: NEUROSENSORY NONSYNDROMIC RECESSIVE DEAFNESS 9; AUDITORY NEUROPATHY, AUTOSOMAL RECESSIVE, 1, TEMPERATURE-SENSITIVE; Deafness, autosomal recessive 9; OTOF-Related Hearing Loss. Identifiers: Orphanet 90636, MedGen C1832828, MONDO:0010986, OMIM 601071.

Allele frequency attached by ClinVar (database versions not stated): gnomAD exomes 0.00003; ExAC 0.00005.
gnomAD v4.1: 43 of 1,603,434 alleles (0.0027%); highest among the groups gnomAD compares: Admixed American, 0.022%; no homozygotes.

Submissions (4):

PreventionGenetics, part of Exact Sciences
Classification: Uncertain significance for OTOF-related condition. Last evaluated: 2026-08-10. Review status: criteria provided, single submitter. Criteria: ACMG Guidelines, 2015. Collection method: clinical testing. Allele origin: germline.
Comment: The OTOF c.5864G>A variant is predicted to result in the amino acid substitution p.Arg1955His. To our knowledge, this variant has not been reported in the literature. This variant is reported in 0.015% of alleles in individuals of Latino descent in gnomAD. At this time, the clinical significance of this variant is uncertain due to the absence of conclusive functional and genetic evidence.

Labcorp Genetics (formerly Invitae), Labcorp
Classification: Likely benign. Last evaluated: 2026-01-28. Review status: criteria provided, single submitter. Criteria: Invitae Variant Classification Sherloc (09022015). Collection method: clinical testing. Allele origin: germline.

Blueprint Genetics
Classification: Uncertain significance. Last evaluated: 2023-07-27. Review status: criteria provided, single submitter. Criteria: ACMG Guidelines, 2015. Collection method: clinical testing. Allele origin: germline.

Revvity Omics, Revvity
Classification: Uncertain significance for Autosomal recessive nonsyndromic hearing loss 9. Last evaluated: 2019-02-07. Review status: criteria provided, single submitter. Criteria: ACMG Guidelines, 2015. Collection method: clinical testing. Allele origin: germline.